The following is an entry in ClinVar:

NM_021975.4(RELA):c.217C>T (p.Arg73Cys)

Gene: RELA (RELA proto-oncogene, NF-kB subunit; minus strand). Cytogenetic location: 11q13.1.
Variant type: single nucleotide variant.
Coding change: c.217C>T on transcript NM_021975.4 (MANE Select); coding-DNA position 217, C replaced by T.
Protein change: p.Arg73Cys; replaces arginine 73 with cysteine.
Molecular consequence: missense variant.
Genome position (GRCh38, 1-based): chr11:65,661,805, G>A on the plus strand (C>T on the coding strand, the complement: RELA is on the minus strand). VCF-style: chr11-65661805-G-A. GRCh37 (hg19) VCF-style: chr11-65429276-G-A.
Other names: c.217C>T, p.Arg73Cys (NM_001145138.2, NM_001243984.2, NM_001243985.2); short protein forms R73C.
Identifiers: ClinVar variation 1491766 (VCV001491766.6), dbSNP rs151125290, ClinGen allele CA224011109.

ClinVar aggregate classification (germline): Uncertain significance (1 of 4 stars; one submission).

Allele frequency attached by ClinVar (database versions not stated): gnomAD 0.00001; TOPMed 0.00001; gnomAD exomes 0.00002; ESP Exome Variant Server 0.00008.
gnomAD v4.1: 4 of 1,613,394 alleles (0.00025%); highest among the groups gnomAD compares: Admixed American, 0.0033%; no homozygotes.

Submission:

Labcorp Genetics (formerly Invitae), Labcorp
Classification: Uncertain significance. Last evaluated: 2024-07-31. Review status: criteria provided, single submitter. Criteria: Invitae Variant Classification Sherloc (09022015). Collection method: clinical testing. Allele origin: germline.
Comment: This sequence change replaces arginine, which is basic and polar, with cysteine, which is neutral and slightly polar, at codon 73 of the RELA protein (p.Arg73Cys). The frequency data for this variant in the population databases is considered unreliable, as metrics indicate poor data quality at this position in the gnomAD database. This variant has not been reported in the literature in individuals affected with RELA-related conditions. ClinVar contains an entry for this variant (Variation ID: 1491766). An algorithm developed to predict the effect of missense changes on protein structure and function (PolyPhen-2) suggests that this variant is likely to be disruptive. In summary, the available evidence is currently insufficient to determine the role of this variant in disease. Therefore, it has been classified as a Variant of Uncertain Significance.